The following is an entry in ClinVar:

NM_001385.3(DPYS):c.872A>G (p.His291Arg)

Gene: DPYS (dihydropyrimidinase; minus strand). Cytogenetic location: 8q22.3.
Variant type: single nucleotide variant.
Coding change: c.872A>G on transcript NM_001385.3 (MANE Select); coding-DNA position 872, A replaced by G.
Protein change: p.His291Arg; replaces histidine 291 with arginine.
Molecular consequence: missense variant.
Genome position (GRCh38, 1-based): chr8:104,429,623, T>C on the plus strand (A>G on the coding strand, the complement: DPYS is on the minus strand). VCF-style: chr8-104429623-T-C. GRCh37 (hg19) VCF-style: chr8-105441851-T-C.
Other names: short protein forms H291R.
Identifiers: ClinVar variation 3368088 (VCV003368088.1).

ClinVar aggregate classification (germline): Uncertain significance (1 of 4 stars; one submission).

gnomAD v4.1: 1 of 1,614,202 alleles (0.000062%); highest among the groups gnomAD compares: South Asian, 0.0011%; no homozygotes.

Submission:

GeneDx
Classification: Uncertain significance. Last evaluated: 2024-01-22. Review status: criteria provided, single submitter. Criteria: GeneDx Variant Classification Process June 2021. Collection method: clinical testing. Allele origin: germline. Affected: yes.
Comment: Not observed at significant frequency in large population cohorts (gnomAD); In silico analysis supports that this missense variant has a deleterious effect on protein structure/function; Has not been previously published as pathogenic or benign to our knowledge